The following is an entry in ClinVar:

ClinVar aggregate classification (germline): Likely pathogenic (1 of 4 stars; one submission).

Submission:

Labcorp Genetics (formerly Invitae), Labcorp
Classification: Likely pathogenic. Last evaluated: 2023-06-06. Review status: criteria provided, single submitter. Criteria: Invitae Variant Classification Sherloc (09022015). Collection method: clinical testing. Allele origin: germline.
Comment: This sequence change affects an acceptor splice site in intron 8 of the ABCB11 gene. It is expected to disrupt RNA splicing. Variants that disrupt the donor or acceptor splice site typically lead to a loss of protein function (PMID: 16199547), and loss-of-function variants in ABCB11 are known to be pathogenic (PMID: 18395098, 20232290). This variant is not present in population databases (gnomAD no frequency). This variant has not been reported in the literature in individuals affected with ABCB11-related conditions. Algorithms developed to predict the effect of sequence changes on RNA splicing suggest that this variant may disrupt the consensus splice site. In summary, the currently available evidence indicates that the variant is pathogenic, but additional data are needed to prove that conclusively. Therefore, this variant has been classified as Likely Pathogenic.

Literature cited by the submitters: PubMed 16199547; PubMed 18395098; PubMed 20232290.

NM_003742.4(ABCB11):c.784-1G>C

Gene: ABCB11 (ATP binding cassette subfamily B member 11; minus strand). Cytogenetic location: 2q31.1.
Variant type: single nucleotide variant.
Coding change: c.784-1G>C on transcript NM_003742.4 (MANE Select); the canonical splice acceptor site of the intron before coding-DNA position 784, G replaced by C.
Molecular consequence: splice acceptor variant.
Genome position (GRCh38, 1-based): chr2:168,990,926, C>G on the plus strand (G>C on the coding strand, the complement: ABCB11 is on the minus strand). VCF-style: chr2-168990926-C-G. GRCh37 (hg19) VCF-style: chr2-169847436-C-G.
Identifiers: ClinVar variation 2693480 (VCV002693480.3), dbSNP rs1186246637, ClinGen allele CA349125850.